The following is an entry in ClinVar:

ClinVar aggregate classification (germline): Conflicting classifications of pathogenicity. Review status: criteria provided, conflicting classifications (1 of 4 stars). 3 submissions from 3 submitters: Likely pathogenic (1); Uncertain significance (1). 1 of the submissions does not count toward it. Last evaluated 2026-07-23.

Conditions:
Cockayne syndrome type 1. Also called: Cockayne syndrome type I; Cockayne syndrome classical; Cockayne syndrome classic form. Identifiers: Orphanet 191, Orphanet 90321, MedGen C0751039, MONDO:0019569, OMIM 216400.

Allele frequency attached by ClinVar (database versions not stated): gnomAD exomes below 0.00001.
gnomAD v4.1: 1 of 1,612,302 alleles (0.000062%); highest among the groups gnomAD compares: Non-Finnish European, 0.000085%; no homozygotes.

Submissions (3):

Myriad Genetics, Inc.
Classification: Uncertain significance for Cockayne syndrome type 1. Last evaluated: 2026-07-23. Review status: criteria provided, single submitter. Criteria: Myriad Autosomal Dominant, Autosomal Recessive and X-Linked Classification Criteria (2023). Collection method: clinical testing. Allele origin: unknown.
Comment: NM_000082.3(ERCC8):c.482-2A>G is a variant in a canonical splice site classified as a variant of uncertain significance in the context of ERCC8-related disorders. c.482-2A>G has not been observed in cases with relevant disease. Relevant functional assessments of this variant are not available in the literature. c.482-2A>G has not been observed in referenced population frequency databases. In summary, there is insufficient evidence to classify NM_000082.3(ERCC8):c.482-2A>G as pathogenic or benign. Please note: this variant was assessed in the context of healthy population screening.

Labcorp Genetics (formerly Invitae), Labcorp
Classification: Likely pathogenic. Last evaluated: 2022-03-19. Review status: criteria provided, single submitter. Criteria: Invitae Variant Classification Sherloc (09022015). Collection method: clinical testing. Allele origin: germline.
Comment: This sequence change affects an acceptor splice site in intron 5 of the ERCC8 gene. It is expected to disrupt RNA splicing. Variants that disrupt the donor or acceptor splice site typically lead to a loss of protein function (PMID: 16199547), and loss-of-function variants in ERCC8 are known to be pathogenic (PMID: 29572252). This variant is not present in population databases (gnomAD no frequency). This variant has not been reported in the literature in individuals affected with ERCC8-related conditions. ClinVar contains an entry for this variant (Variation ID: 553264). Algorithms developed to predict the effect of sequence changes on RNA splicing suggest that this variant may disrupt the consensus splice site. In summary, the currently available evidence indicates that the variant is pathogenic, but additional data are needed to prove that conclusively. Therefore, this variant has been classified as Likely Pathogenic.

Counsyl
Classification: Likely pathogenic for Cockayne syndrome type 1. Last evaluated: 2017-08-10. Review status: no assertion criteria provided. Collection method: clinical testing. Allele origin: unknown. Not counted in ClinVar's aggregate classification.

Literature cited by the submitters: PubMed 16199547 (cited by Labcorp Genetics (formerly Invitae), Labcorp); PubMed 29572252 (cited by Labcorp Genetics (formerly Invitae), Labcorp).

NM_000082.4(ERCC8):c.482-2A>G

Gene: ERCC8 (ERCC excision repair 8, CSA ubiquitin ligase complex subunit; minus strand). Cytogenetic location: 5q12.1.
Variant type: single nucleotide variant.
Coding change: c.482-2A>G on transcript NM_000082.4 (MANE Select); the canonical splice acceptor site of the intron before coding-DNA position 482, A replaced by G.
Molecular consequence: splice acceptor variant.
Genome position (GRCh38, 1-based): chr5:60,903,718, T>C on the plus strand (A>G on the coding strand, the complement: ERCC8 is on the minus strand). VCF-style: chr5-60903718-T-C. GRCh37 (hg19) VCF-style: chr5-60199545-T-C.
Other names: c.23-2A>G (NM_001290285.2); c.308-2A>G (NM_001007233.3); c.482-2A>G (NM_001007234.3).
Identifiers: ClinVar variation 553264 (VCV000553264.8), dbSNP rs1554073420, ClinGen allele CA359827009.